The following is an entry in ClinVar:

ClinVar aggregate classification (germline): Likely pathogenic (1 of 4 stars; one submission).

Conditions:
Hereditary spastic paraplegia 8 (SPG8). Also called: SPASTIC PARAPLEGIA 8, AUTOSOMAL DOMINANT. Identifiers: Orphanet 100989, MedGen C1863704, MONDO:0011339, OMIM 603563.

Submission:

Kariminejad - Najmabadi Pathology & Genetics Center
Classification: Likely pathogenic for Hereditary spastic paraplegia 8. Last evaluated: 2021-05-20. Review status: criteria provided, single submitter. Criteria: ACMG Guidelines, 2015. Collection method: clinical testing. Allele origin: germline. Inheritance: Autosomal dominant inheritance. Affected: yes.
Comment: PVS1, PM2

NM_014846.4(WASHC5):c.34_35del (p.Gly12fs)

Gene: WASHC5 (WASH complex subunit 5; minus strand). Cytogenetic location: 8q24.13.
Variant type: Deletion.
Coding change: c.34_35del on transcript NM_014846.4 (MANE Select); coding-DNA positions 34 to 35, 2 bases deleted (GG; older notation c.34_35delGG).
Protein change: p.Gly12fs; shifts the reading frame from glycine 12.
Molecular consequence: frameshift variant. On other transcripts: intron variant (1).
Genome position (GRCh38, 1-based): chr8:125,083,864-125,083,865, CC deleted on the plus strand (GG on the coding strand, the reverse complement: WASHC5 is on the minus strand). VCF-style (leftmost placement, unchanged base first): chr8-125083863-GCC-G. GRCh37 (hg19) VCF-style: chr8-126096105-GCC-G.
Other names: c.-258-607_-258-606del (NM_001330609.2); c.34_35delGG (NM_014846.4); short protein forms G12fs.
Identifiers: ClinVar variation 3897060 (VCV003897060.1).
Genomic context (GRCh38, chr8:125,083,863, plus strand): 5'-GAGTCTCAAAAGTTCAGCAATGATGGCATTACCACAGGAAACAATCCTTAGGATTGCTTG[GCC>G]ACAGAGGTTGTTCTCGGCTAGAAAGTCCAACATTGTGAGGCGGACCGACTACTCTGTGCC-3'